The following is an entry in ClinVar:

NM_001035.3(RYR2):c.12545A>C (p.Glu4182Ala)

Genes: RYR2 (ryanodine receptor 2; plus strand), LOC126806068 (BRD4-independent group 4 enhancer GRCh37_chr1:237947411-237948610; plus strand). Cytogenetic location: 1q43.
Variant type: single nucleotide variant.
Coding change: c.12545A>C on transcript NM_001035.3 (MANE Select); coding-DNA position 12545, A replaced by C.
Protein change: p.Glu4182Ala; replaces glutamic acid 4182 with alanine.
Molecular consequence: missense variant.
Genome position (GRCh38, 1-based): chr1:237,784,257, A>C. VCF-style: chr1-237784257-A-C. GRCh37 (hg19) VCF-style: chr1-237947557-A-C.
Other names: p.E4182A:GAG>GCG; c.12545A>C, p.Glu4182Ala (LRG_402t1); short protein forms E4182A.
Identifiers: ClinVar variation 201335 (VCV000201335.13), dbSNP rs794728788, ClinGen allele CA007588.

ClinVar aggregate classification (germline): Pathogenic/Likely pathogenic. Review status: criteria provided, multiple submitters, no conflicts (2 of 4 stars). 3 submissions from 3 submitters: Pathogenic (1); Likely pathogenic (2). Last evaluated 2025-03-17.

Conditions:
Catecholaminergic polymorphic ventricular tachycardia 1. Also called: RYR2-Related Catecholaminergic Polymorphic Ventricular Tachycardia; VENTRICULAR TACHYCARDIA, CATECHOLAMINERGIC POLYMORPHIC, 1, WITH OR WITHOUT ATRIAL DYSFUNCTION AND/OR DILATED CARDIOMYOPATHY; VENTRICULAR TACHYCARDIA, STRESS-INDUCED POLYMORPHIC 1. Identifiers: Orphanet 3286, MedGen C1631597, MONDO:0011484, OMIM 604772.
Cardiomyopathy (CMYO). Also called: Cardiomyopathies. Identifiers: Orphanet 167848, MedGen C0878544, MONDO:0004994, HP:0001638. Inheritance: Various modes of inheritance.

Submissions (3):

Labcorp Genetics (formerly Invitae), Labcorp
Classification: Pathogenic for Catecholaminergic polymorphic ventricular tachycardia 1. Last evaluated: 2025-03-17. Review status: criteria provided, single submitter. Criteria: Invitae Variant Classification Sherloc (09022015). Collection method: clinical testing. Allele origin: germline.
Comment: This sequence change replaces glutamic acid, which is acidic and polar, with alanine, which is neutral and non-polar, at codon 4182 of the RYR2 protein (p.Glu4182Ala). This variant is not present in population databases (gnomAD no frequency). This missense change has been observed in individual(s) with catecholaminergic polymorphic ventricular tachycardia (PMID: 22519458). In at least one individual the variant was observed to be de novo. ClinVar contains an entry for this variant (Variation ID: 201335). Invitae Evidence Modeling of protein sequence and biophysical properties (such as structural, functional, and spatial information, amino acid conservation, physicochemical variation, residue mobility, and thermodynamic stability) indicates that this missense variant is expected to disrupt RYR2 protein function with a positive predictive value of 95%. For these reasons, this variant has been classified as Pathogenic.

CHEO Genetics Diagnostic Laboratory, Children's Hospital of Eastern Ontario
Classification: Likely pathogenic for Cardiomyopathy. Last evaluated: 2020-10-01. Review status: criteria provided, single submitter. Criteria: ACMG Guidelines, 2015. Collection method: clinical testing. Allele origin: germline.

GeneDx
Classification: Likely pathogenic. Last evaluated: 2014-06-26. Review status: criteria provided, single submitter. Criteria: GeneDx Variant Classification (06012015). Collection method: clinical testing. Allele origin: germline. Affected: yes.
Comment: p.Glu4182Ala (GAG>GCG): c.12545 A>C in exon 90 of the RYR2 gene (NM_001035.2). The E4182A variant has not been published as a mutation, nor has it been reported as a benign polymorphism to our knowledge. The E4182A variant was not observed in approximately 6200 individuals of European and African American ancestry in the NHLBI Exome Sequencing Project, indicating it is not a common benign variant in these populations. The E4182A variant is a non-conservative amino acid substitution, which is likely to impact secondary protein structure as these residues differ in polarity, charge, size and/or other properties. This substitution occurs at a position that is conserved across species and in silico analysis predicts this variant is probably damaging to the protein structure/function. Additionally, E4182A is located in the channel region, a mutation hotspot region of the RYR2 gene (Medeiros- Domingo A et al., 2009). Missense mutations in nearby residues (N4178Y, N4178S, E4187Q, L4188P) have been reported in association with CPVT, supporting the functional importance of this region of the protein. Therefore, this variant is a strong candidate for a pathogenic mutation, however the possibility that it is a benign variant cannot be excluded. The variant is found in ARRHYTHMIA panel(s).

Literature cited by the submitters: PubMed 22519458 (cited by Labcorp Genetics (formerly Invitae), Labcorp).